The following is an entry in ClinVar:

NM_000492.4(CFTR):c.3231_3232del (p.Phe1078fs)

Genes: CFTR (CF transmembrane conductance regulator; plus strand), CFTR-AS2 (CFTR antisense RNA 2; minus strand), LOC111674472 (DNase I hypersensitive sites in introns 16 and 17a of CFTR; plus strand). Cytogenetic location: 7q31.2.
Variant type: Deletion.
Coding change: c.3231_3232del on transcript NM_000492.4 (MANE Select); coding-DNA positions 3231 to 3232, 2 bases deleted (GT; older notation c.3231_3232delGT).
Protein change: p.Phe1078fs; shifts the reading frame from phenylalanine 1078.
Molecular consequence: frameshift variant.
Genome position (GRCh38, 1-based): chr7:117,611,672-117,611,673, GT deleted; deleting any 2 consecutive bases within chr7:117,611,671-117,611,673 gives the same sequence; the c. name uses the placement nearest the transcript's 3' end. VCF-style (leftmost placement, unchanged base first): chr7-117611670-CTG-C. GRCh37 (hg19) VCF-style: chr7-117251724-CTG-C.
Other names: short protein forms F1078fs.
Identifiers: ClinVar variation 618934 (VCV000618934.11), dbSNP rs779177972, ClinGen allele CA4451410.

ClinVar aggregate classification (germline): Pathogenic/Likely pathogenic. Review status: criteria provided, multiple submitters, no conflicts (2 of 4 stars). 7 submissions from 7 submitters: Pathogenic (6); Likely pathogenic (1). Last evaluated 2025-05-15.

Conditions:
Cystic fibrosis (CF). Also called: MUCOVISCIDOSIS. Identifiers: Orphanet 586, MedGen C0010674, MONDO:0009061, OMIM 219700. Disease mechanism: loss of function.
Bronchiectasis with or without elevated sweat chloride 1 (BESC1). Also called: Cystic Fibrosis-Like Syndrome. Identifiers: Orphanet 60033, MedGen C2749757, MONDO:0008887, OMIM 211400.
CFTR-related disorder (CFTR-RD). Also called: CFTR-related disorders; CFTR-related condition. Identifiers: MedGen C5924204, MONDO:7770004.

Submissions (7):

Natera, Inc.
Classification: Pathogenic for CFTR-related disorders. Last evaluated: 2025-05-15. Review status: criteria provided, single submitter. Criteria: Natera Variant Classification Schema (03/2026). Collection method: clinical testing. Allele origin: germline.
Comment: The c.3231_3232delGT variant in CFTR is a frameshift variant predicted to shift the reading frame beginning at codon 1078 and leads to a stop codon 77 codons downstream. This variant is expected to result in nonsense mediated decay, truncation, or a dysfunctional protein product. This variant is rare in the general population with a frequency below the threshold expected for the associated phenotype(s). This variant has been observed in one or more individuals affected with the associated recessive disease, as either homozygous or compound heterozygous with a second variant (PMID: 35932623). Given the available evidence, this variant is classified as Pathogenic.

Ambry Genetics
Classification: Pathogenic for Cystic fibrosis. Last evaluated: 2025-03-11. Review status: criteria provided, single submitter. Criteria: Ambry Variant Classification Scheme 2023. Collection method: clinical testing. Allele origin: germline.
Comment: The c.3231_3232delGT pathogenic mutation, located in coding exon 20 of the CFTR gene, results from a deletion of two nucleotides at nucleotide positions 3231 to 3232, causing a translational frameshift with a predicted alternate stop codon (p.F1078Pfs*77). This alteration is expected to result in loss of function by premature protein truncation or nonsense-mediated mRNA decay. As such, this alteration is interpreted as a disease-causing mutation.

Women's Health and Genetics/Laboratory Corporation of America, LabCorp
Classification: Pathogenic for Cystic fibrosis. Last evaluated: 2023-09-04. Review status: criteria provided, single submitter. Criteria: LabCorp Variant Classification Summary - May 2015. Collection method: clinical testing. Allele origin: germline.
Comment: Variant summary: CFTR c.3231_3232delGT (p.Phe1078ProfsX77) results in a premature termination codon, predicted to cause a truncation of the encoded protein or absence of the protein due to nonsense mediated decay, which are commonly known mechanisms for disease. The variant allele was found at a frequency of 4e-06 in 251060 control chromosomes. c.3231_3232delGT has been reported in the literature in individuals affected with Cystic Fibrosis (eg. Kharrazi_2015, etc.). The following publication have been ascertained in the context of this evaluation (PMID: 26574590). Three submitters have cited clinical-significance assessments for this variant to ClinVar after 2014. All submitters classified the variant as pathogenic. Based on the evidence outlined above, the variant was classified as pathogenic.

Labcorp Genetics (formerly Invitae), Labcorp
Classification: Pathogenic for Cystic fibrosis. Last evaluated: 2023-08-01. Review status: criteria provided, single submitter. Criteria: Invitae Variant Classification Sherloc (09022015). Collection method: clinical testing. Allele origin: germline.
Comment: For these reasons, this variant has been classified as Pathogenic. ClinVar contains an entry for this variant (Variation ID: 618934). This premature translational stop signal has been observed in individual(s) with cystic fibrosis (PMID: 26574590). This variant is present in population databases (rs779177972, gnomAD 0.003%). This sequence change creates a premature translational stop signal (p.Phe1078Profs*77) in the CFTR gene. It is expected to result in an absent or disrupted protein product. Loss-of-function variants in CFTR are known to be pathogenic (PMID: 1695717, 7691345, 9725922).

Baylor Genetics
Classification: Likely pathogenic for Bronchiectasis with or without elevated sweat chloride 1. Last evaluated: 2023-03-11. Review status: criteria provided, single submitter. Criteria: ACMG Guidelines, 2015. Collection method: clinical testing. Allele origin: unknown.

Johns Hopkins Genomics, Johns Hopkins University
Classification: Pathogenic for Cystic fibrosis. Last evaluated: 2021-04-29. Review status: criteria provided, single submitter. Criteria: ACMG Guidelines, 2015. Collection method: clinical testing. Allele origin: germline.

Mendelics
Classification: Pathogenic for Cystic fibrosis. Last evaluated: 2018-11-05. Review status: criteria provided, single submitter. Criteria: Mendelics Assertion Criteria 2017. Collection method: clinical testing. Allele origin: unknown. Affected: yes.

Literature cited by the submitters: PubMed 35932623 (cited by Natera, Inc.); PubMed 26574590 (cited by Women's Health and Genetics/Laboratory Corporation of America, LabCorp and Labcorp Genetics (formerly Invitae), Labcorp); PubMed 1695717 (cited by Labcorp Genetics (formerly Invitae), Labcorp); PubMed 7691345 (cited by Labcorp Genetics (formerly Invitae), Labcorp); PubMed 9725922 (cited by Labcorp Genetics (formerly Invitae), Labcorp).